The following is an entry in ClinVar:

NM_021625.5(TRPV4):c.1105G>A (p.Asp369Asn)

Gene: TRPV4 (transient receptor potential cation channel subfamily V member 4; minus strand). Cytogenetic location: 12q24.11.
Variant type: single nucleotide variant.
Coding change: c.1105G>A on transcript NM_021625.5 (MANE Select); coding-DNA position 1105, G replaced by A.
Protein change: p.Asp369Asn; replaces aspartic acid 369 with asparagine.
Molecular consequence: missense variant.
Genome position (GRCh38, 1-based): chr12:109,798,661, C>T on the plus strand (G>A on the coding strand, the complement: TRPV4 is on the minus strand). VCF-style: chr12-109798661-C-T. GRCh37 (hg19) VCF-style: chr12-110236466-C-T.
Other names: c.964G>A, p.Asp322Asn (NM_001177428.2, NM_001177433.2); c.1003G>A, p.Asp335Asn (NM_001177431.2); c.1105G>A, p.Asp369Asn (NM_147204.3); short protein forms D335N, D322N, D369N.
Identifiers: ClinVar variation 2716544 (VCV002716544.3), dbSNP rs114874026, ClinGen allele CA6780350.

ClinVar aggregate classification (germline): Uncertain significance (1 of 4 stars; one submission).

Conditions:
Charcot-Marie-Tooth disease axonal type 2C (HMSN2C). Also called: CHARCOT-MARIE-TOOTH DISEASE, AXONAL, AUTOSOMAL DOMINANT, TYPE 2C; Charcot-Marie-Tooth Neuropathy Type 2C; Charcot-Marie-Tooth Disease Type 2, TRPV4-Related (CMT2C). Identifiers: Orphanet 99937, MedGen C1853710, MONDO:0011633, OMIM 606071.

Allele frequency attached by ClinVar (database versions not stated): gnomAD exomes 0.00001; TOPMed 0.00003; 1000 Genomes Project 30x 0.00016; 1000 Genomes Project 0.00020.
gnomAD v4.1: 17 of 1,613,342 alleles (0.0011%); highest among the groups gnomAD compares: East Asian, 0.013%; no homozygotes.

Submission:

Labcorp Genetics (formerly Invitae), Labcorp
Classification: Uncertain significance for Charcot-Marie-Tooth disease axonal type 2C. Last evaluated: 2023-08-16. Review status: criteria provided, single submitter. Criteria: Invitae Variant Classification Sherloc (09022015). Collection method: clinical testing. Allele origin: germline.
Comment: This sequence change replaces aspartic acid, which is acidic and polar, with asparagine, which is neutral and polar, at codon 369 of the TRPV4 protein (p.Asp369Asn). This variant is present in population databases (rs114874026, gnomAD 0.03%). This variant has not been reported in the literature in individuals affected with TRPV4-related conditions. Advanced modeling of protein sequence and biophysical properties (such as structural, functional, and spatial information, amino acid conservation, physicochemical variation, residue mobility, and thermodynamic stability) has been performed at Invitae for this missense variant, however the output from this modeling did not meet the statistical confidence thresholds required to predict the impact of this variant on TRPV4 protein function. In summary, the available evidence is currently insufficient to determine the role of this variant in disease. Therefore, it has been classified as a Variant of Uncertain Significance.